The following is an entry in ClinVar:

NM_000057.4(BLM):c.90_98+4del

Gene: BLM (BLM RecQ like helicase; plus strand). Cytogenetic location: 15q26.1.
Variant type: Deletion.
Coding change: c.90_98+4del on transcript NM_000057.4 (MANE Select); coding-DNA position 90 through 4 bases into the intron after coding-DNA position 98, 13 bases deleted (AAAATTTTCGTAA).
Molecular consequence: splice donor variant.
Genome position (GRCh38, 1-based): chr15:90,747,482-90,747,494, AAAATTTTCGTAA deleted. VCF-style (leftmost placement, unchanged base first): chr15-90747481-CAAAATTTTCGTAA-C. GRCh37 (hg19) VCF-style: chr15-91290711-CAAAATTTTCGTAA-C.
Other names: c.90_98+4del (NM_001287246.2, NM_001287247.2); c.-1202_-1194+4del (NM_001287248.2).
Identifiers: ClinVar variation 3224943 (VCV003224943.1), dbSNP rs2505385256, ClinGen allele CA2825002311.

ClinVar aggregate classification (germline): Likely pathogenic (1 of 4 stars; one submission).

Conditions:
Hereditary cancer-predisposing syndrome. Also called: Neoplastic Syndromes, Hereditary; Tumor predisposition; Hereditary neoplastic syndrome; Hereditary Cancer Syndrome. Identifiers: Orphanet 140162, MedGen C0027672, MeSH D009386, MONDO:0015356.

Submission:

Ambry Genetics
Classification: Likely pathogenic for Hereditary cancer-predisposing syndrome. Last evaluated: 2023-10-12. Review status: criteria provided, single submitter. Criteria: Ambry Variant Classification Scheme 2023. Collection method: clinical testing. Allele origin: germline.
Comment: The c.90_98+4del13 variant results from a deletion of 13 nucleotides between positions c.90 and c.98+4 and involves the canonical splice donor site after coding exon 1 of the BLM gene. This variant is considered to be rare based on population cohorts in the Genome Aggregation Database (gnomAD). The canonical splice donor site is highly conserved in available vertebrate species. In silico splice site analysis predicts that this alteration will weaken the native splice donor site; however, the exact impact of this deletion on BLM splicing and function is currently unknown. Alterations that disrupt the canonical splice site are expected to cause aberrant splicing, resulting in an abnormal protein or a transcript that is subject to nonsense-mediated mRNA decay. As such, this alteration is classified as likely pathogenic.